The following is an entry in ClinVar:

NM_000443.4(ABCB4):c.343A>G (p.Arg115Gly)

Gene: ABCB4 (ATP binding cassette subfamily B member 4; minus strand). Cytogenetic location: 7q21.12.
Variant type: single nucleotide variant.
Coding change: c.343A>G on transcript NM_000443.4 (MANE Select); coding-DNA position 343, A replaced by G.
Protein change: p.Arg115Gly; replaces arginine 115 with glycine.
Molecular consequence: missense variant.
Genome position (GRCh38, 1-based): chr7:87,454,536, T>C on the plus strand (A>G on the coding strand, the complement: ABCB4 is on the minus strand). VCF-style: chr7-87454536-T-C. GRCh37 (hg19) VCF-style: chr7-87083852-T-C.
Other names: c.343A>G, p.Arg115Gly (NM_018849.3, NM_018850.3); short protein forms R115G.
Identifiers: ClinVar variation 5037537 (VCV005037537.1).

ClinVar aggregate classification (germline): Uncertain significance (1 of 4 stars; one submission).

gnomAD v4.1: 1 of 1,606,990 alleles (0.000062%); highest among the groups gnomAD compares: African/African-American, 0.0013%; no homozygotes.

Submission:

GeneDx
Classification: Uncertain significance. Last evaluated: 2026-04-21. Review status: criteria provided, single submitter. Criteria: GeneDx Variant Classification Process June 2021. Collection method: clinical testing. Allele origin: germline.
Comment: Not observed at significant frequency in large population cohorts (gnomAD); In silico analysis supports that this missense variant has a deleterious effect on protein structure/function; Has not been previously published as pathogenic or benign to our knowledge